The following is an entry in ClinVar:

ClinVar aggregate classification (germline): Likely pathogenic. Review status: criteria provided, multiple submitters, no conflicts (2 of 4 stars). 8 submissions from 7 submitters: Likely pathogenic (6). 2 of the submissions do not count toward it. Last evaluated 2025-07-25.

Conditions:
Inborn genetic diseases. Identifiers: MedGen C0950123, MeSH D030342.
Parkinsonism-dystonia 3, childhood-onset (PKDYS3). Identifiers: MedGen C5676913, MONDO:0030676, OMIM 619738.
Neurodevelopmental disorder, mitochondrial, with abnormal movements and lactic acidosis, with or without seizures. Identifiers: Orphanet 572798, MedGen C4540192, MONDO:0060578, OMIM 617710.

Submissions (8):

Ambry Genetics
Classification: Likely pathogenic for Inborn genetic diseases. Last evaluated: 2025-07-25. Review status: criteria provided, single submitter. Criteria: Ambry Variant Classification Scheme 2023. Collection method: clinical testing. Allele origin: germline.
Comment: The c.797delC (p.P266Rfs*10) alteration, located in coding exon 6 of the WARS2 gene, consists of a deletion of one nucleotide at position 797, causing a translational frameshift with a predicted alternate stop codon after 10 amino acids. This variant is not expected to trigger nonsense-mediated mRNA decay and impacts the last 26% of the protein. Premature stop codons are typically deleterious in nature and a significant portion of the protein is affected (Ambry internal data). Based on data from gnomAD, the c.797delC allele has an overall frequency of 0.0036% (9/250918) total alleles studied. The highest observed frequency was 0.0079% (9/113222) of European (non-Finnish) alleles. This variant has been identified in the homozygous state and/or in conjunction with other WARS2 variant(s) in individual(s) with features consistent with mitochondrial tryptophanyl-tRNA synthetase deficiency; in at least one instance, the variants were identified in trans (Wortmann, 2017; Vantroys, 2018; Virdee, 2019; Pauly, 2023). Based on the available evidence, this alteration is classified as likely pathogenic.

Dasa
Classification: Likely pathogenic. Last evaluated: 2025-05-28. Review status: criteria provided, single submitter. Criteria: DASA Assertion Criteria. Collection method: clinical testing. Allele origin: germline.
Comment: NM_015836.4(WARS2):c.797del (p.Pro266Argfs*10) is a frameshift variant in WARS2 predicted to alter the reading frame and introduce a premature termination codon and is predicted to result in an absent or altered protein product. Loss of function is an established disease mechanism for WARS2-associated disorders. This variant has been reported in individuals with WARS2-related disorders (PMID: 28905505). Also, this variant is rare in population databases. Based on the currently available evidence, this variant is classified as likely pathogenic.

GeneDx
Classification: Likely pathogenic. Last evaluated: 2022-10-21. Review status: criteria provided, single submitter. Criteria: GeneDx Variant Classification Process June 2021. Collection method: clinical testing. Allele origin: germline. Affected: yes.
Comment: Frameshift variant predicted to result in protein truncation as the last 95 amino acids are replaced with 9 different amino acids, although loss-of-function variants have not been reported downstream of this position in the protein; Not observed at significant frequency in large population cohorts (gnomAD); This variant is associated with the following publications: (PMID: 6447871, 17604309, 24639874, 28236339, 28905505, 28650581, 25385316, 25361775, 25130867, 27389904, 10828066, 15779907, 12557294, 2999114, 7219534, 6997870, 6932013, 31628766, 31617452, 31684799, 31282308, 29783990)

Baylor Genetics
Classification: Likely pathogenic for Neurodevelopmental disorder, mitochondrial, with abnormal movements and lactic acidosis, with or without seizures. Last evaluated: 2022-05-05. Review status: criteria provided, single submitter. Criteria: ACMG Guidelines, 2015. Collection method: clinical testing. Allele origin: unknown.

Baylor Genetics
Classification: Likely pathogenic for Parkinsonism-dystonia 3, childhood-onset. Last evaluated: 2022-05-05. Review status: criteria provided, single submitter. Criteria: ACMG Guidelines, 2015. Collection method: clinical testing. Allele origin: unknown.

Genetic Services Laboratory, University of Chicago
Classification: Likely pathogenic. Last evaluated: 2018-08-29. Review status: criteria provided, single submitter. Criteria: ACMG Guidelines, 2015. Collection method: clinical testing. Allele origin: germline. Affected: yes.
Comment: DNA sequence analysis of the WARS2 gene demonstrated a one base pair deletion in exon 6, c.797del. This deletion is predicted to result in a frameshift and creation of a premature stop codon nine amino acids downstream, p.Pro266Argfs*10. The c.797del has been described at a low population frequency of 0.004% in gnomAD. The second sequence change identified, c.938A>T, occurs in exon 6 and results in an amino acid change, p.Lys313Met. The p.Lys313Met change affects a moderately conserved amino acid residue located in a domain of the WARS2 protein that is known to be functional. This sequence change has been described in the gnomAD database with a low population frequency of 0.02% (dbSNP rs145867327). The c.797del and c.938A>T sequence changes have been reported in the trans state (on different chromosomes) in two affected siblings with WARS2-related phenotypes (Wortmann et al., 2017. Hum Mutat 38: 1786-1795).

OMIM
Classification: Pathogenic for NEURODEVELOPMENTAL DISORDER, MITOCHONDRIAL, WITH ABNORMAL MOVEMENTS AND LACTIC ACIDOSIS, WITH SEIZURES. Last evaluated: 2017-10-10. Review status: no assertion criteria provided. Collection method: literature only. Allele origin: germline. Not counted in ClinVar's aggregate classification.

MGZ Medical Genetics Center
Classification: Uncertain significance for Neurodevelopmental disorder, mitochondrial, with abnormal movements and lactic acidosis, with or without seizures. Last evaluated: 2022-04-13. Review status: flagged submission. Criteria: ACMG Guidelines, 2015. Collection method: clinical testing. Allele origin: germline. Affected: yes. Observed: 2 variant alleles. Not counted in ClinVar's aggregate classification.
Comment: ACMG criteria applied: PVS1_MOD, PM2_SUP
ClinVar note: Reason: Outlier claim with insufficient supporting evidence

Literature cited by the submitters: PubMed 28905505 (cited by 3 submitters); PubMed 29783990 (cited by Ambry Genetics); PubMed 31282308 (cited by Ambry Genetics); PubMed 37107582 (cited by Ambry Genetics).

NM_015836.4(WARS2):c.797del (p.Pro266fs)

Gene: WARS2 (tryptophanyl tRNA synthetase 2, mitochondrial; minus strand). Cytogenetic location: 1p12.
Variant type: Deletion.
Coding change: c.797del on transcript NM_015836.4 (MANE Select); coding-DNA position 797, one base deleted (C; older notation c.797delC).
Protein change: p.Pro266fs; shifts the reading frame from proline 266.
Molecular consequence: frameshift variant. On other transcripts: 3 prime UTR variant (2).
Genome position (GRCh38, 1-based): chr1:119,033,197, G deleted on the plus strand (C on the coding strand, the reverse complement: WARS2 is on the minus strand); the first of 3 consecutive G bases (chr1:119,033,197-119,033,199); deleting any one gives the same sequence. VCF-style (leftmost placement, unchanged base first): chr1-119033196-CG-C. GRCh37 (hg19) VCF-style: chr1-119575819-CG-C.
Other names: c.728del, p.Pro243fs (NM_001378226.1, NM_001378227.1); c.626del, p.Pro209fs (NM_001378228.1); c.539del, p.Pro180fs (NM_001378229.1); c.515del, p.Pro172fs (NM_001378230.1); c.*132del (NM_001378231.1); c.*163del (NM_201263.2); c.797delC (NM_015836.3); short protein forms P266fs, P172fs, P180fs, P209fs, P243fs.
Identifiers: ClinVar variation 440918 (VCV000440918.15), dbSNP rs746478253, ClinGen allele CA1035219.